The following is an entry in ClinVar:

ClinVar aggregate classification (germline): Uncertain significance. Review status: criteria provided, multiple submitters, no conflicts (2 of 4 stars). 2 submissions from 2 submitters: Uncertain significance (2). Last evaluated 2025-11-13.

Conditions:
Inborn genetic diseases. Identifiers: MedGen C0950123, MeSH D030342.

Allele frequency attached by ClinVar (database versions not stated): gnomAD 0.00001; gnomAD exomes below 0.00001; ExAC 0.00001.
gnomAD v4.1: 9 of 1,614,018 alleles (0.00056%); highest among the groups gnomAD compares: Non-Finnish European, 0.00068%; no homozygotes.

Submissions (2):

Ambry Genetics
Classification: Uncertain significance for Inborn genetic diseases. Last evaluated: 2025-11-13. Review status: criteria provided, single submitter. Criteria: Ambry Variant Classification Scheme 2023. Collection method: clinical testing. Allele origin: germline.

Labcorp Genetics (formerly Invitae), Labcorp
Classification: Uncertain significance. Last evaluated: 2022-05-17. Review status: criteria provided, single submitter. Criteria: Invitae Variant Classification Sherloc (09022015). Collection method: clinical testing. Allele origin: germline.
Comment: This sequence change replaces methionine, which is neutral and non-polar, with threonine, which is neutral and polar, at codon 575 of the MTTP protein (p.Met575Thr). This variant is present in population databases (rs761156799, gnomAD 0.0009%). This variant has not been reported in the literature in individuals affected with MTTP-related conditions. Algorithms developed to predict the effect of missense changes on protein structure and function (SIFT, PolyPhen-2, Align-GVGD) all suggest that this variant is likely to be disruptive. In summary, the available evidence is currently insufficient to determine the role of this variant in disease. Therefore, it has been classified as a Variant of Uncertain Significance.

NM_001386140.1(MTTP):c.1724T>C (p.Met575Thr)

Gene: MTTP (microsomal triglyceride transfer protein; plus strand). Cytogenetic location: 4q23.
Variant type: single nucleotide variant.
Coding change: c.1724T>C on transcript NM_001386140.1 (MANE Select); coding-DNA position 1724, T replaced by C.
Protein change: p.Met575Thr; replaces methionine 575 with threonine.
Molecular consequence: missense variant.
Genome position (GRCh38, 1-based): chr4:99,608,932, T>C. VCF-style: chr4-99608932-T-C. GRCh37 (hg19) VCF-style: chr4-100530089-T-C.
Other names: c.1724T>C, p.Met575Thr (NM_000253.4); c.1475T>C, p.Met492Thr (NM_001300785.2); c.1724T>C (NM_000253.2); short protein forms M492T, M575T.
Identifiers: ClinVar variation 2188849 (VCV002188849.2), dbSNP rs761156799, ClinGen allele CA3022162.